The following is an entry in ClinVar:

ClinVar aggregate classification (germline): Uncertain significance (1 of 4 stars; one submission).

Submission:

Labcorp Genetics (formerly Invitae), Labcorp
Classification: Uncertain significance. Last evaluated: 2023-02-22. Review status: criteria provided, single submitter. Criteria: Invitae Variant Classification Sherloc (09022015). Collection method: clinical testing. Allele origin: germline.
Comment: In summary, the available evidence is currently insufficient to determine the role of this variant in disease. Therefore, it has been classified as a Variant of Uncertain Significance. An algorithm developed to predict the effect of missense changes on protein structure and function (PolyPhen-2) suggests that this variant is likely to be tolerated. This variant has not been reported in the literature in individuals affected with CTR9-related conditions. This variant is not present in population databases (gnomAD no frequency). This sequence change replaces alanine, which is neutral and non-polar, with valine, which is neutral and non-polar, at codon 747 of the CTR9 protein (p.Ala747Val).

NM_014633.5(CTR9):c.2240C>T (p.Ala747Val)

Gene: CTR9 (CTR9 component of Paf1/RNA polymerase II complex; plus strand). Cytogenetic location: 11p15.4.
Variant type: single nucleotide variant.
Coding change: c.2240C>T on transcript NM_014633.5 (MANE Select); coding-DNA position 2240, C replaced by T.
Protein change: p.Ala747Val; replaces alanine 747 with valine.
Molecular consequence: missense variant.
Genome position (GRCh38, 1-based): chr11:10,770,500, C>T. VCF-style: chr11-10770500-C-T. GRCh37 (hg19) VCF-style: chr11-10792047-C-T.
Other names: c.2240C>T, p.Ala747Val (NM_001346279.2); short protein forms A747V.
Identifiers: ClinVar variation 2839864 (VCV002839864.3), dbSNP rs2539387063, ClinGen allele CA379674964.